The following is an entry in ClinVar:

NM_004380.3(CREBBP):c.2540C>T (p.Pro847Leu)

Gene: CREBBP (CREB binding lysine acetyltransferase; minus strand). Cytogenetic location: 16p13.3.
Variant type: single nucleotide variant.
Coding change: c.2540C>T on transcript NM_004380.3 (MANE Select); coding-DNA position 2540, C replaced by T.
Protein change: p.Pro847Leu; replaces proline 847 with leucine.
Molecular consequence: missense variant.
Genome position (GRCh38, 1-based): chr16:3,770,910, G>A on the plus strand (C>T on the coding strand, the complement: CREBBP is on the minus strand). VCF-style: chr16-3770910-G-A. GRCh37 (hg19) VCF-style: chr16-3820911-G-A.
Other names: c.2426C>T, p.Pro809Leu (NM_001079846.1); short protein forms P809L, P847L.
Identifiers: ClinVar variation 4688443 (VCV004688443.1).

ClinVar aggregate classification (germline): Uncertain significance (1 of 4 stars; one submission).

Submission:

Women's Health and Genetics/Laboratory Corporation of America, LabCorp
Classification: Uncertain significance. Last evaluated: 2025-12-09. Review status: criteria provided, single submitter. Criteria: LabCorp Variant Classification Summary - May 2015. Collection method: clinical testing. Allele origin: germline.
Comment: Variant summary: CREBBP c.2540C>T (p.Pro847Leu) results in a non-conservative amino acid change in the encoded protein sequence. Algorithms developed to predict the effect of missense changes on protein structure and function all suggest that this variant is likely to be disruptive. The variant was absent in 250958 control chromosomes. The available data on variant occurrences in the general population are insufficient to allow any conclusion about variant significance. To our knowledge, no occurrence of c.2540C>T in individuals affected with CREBBP-related conditions and no experimental evidence demonstrating its impact on protein function have been reported. No submitters have cited clinical-significance assessments for this variant to ClinVar. Based on the evidence outlined above, the variant was classified as uncertain significance.